The following is an entry in ClinVar:

NM_001128840.3(CACNA1D):c.5408+3A>C

Gene: CACNA1D (calcium voltage-gated channel subunit alpha1 D; plus strand). Cytogenetic location: 3p21.1.
Variant type: single nucleotide variant.
Coding change: c.5408+3A>C on transcript NM_001128840.3 (MANE Select); 3 bases into the intron after coding-DNA position 5408, A replaced by C.
Molecular consequence: intron variant.
Genome position (GRCh38, 1-based): chr3:53,801,428, A>C. VCF-style: chr3-53801428-A-C. GRCh37 (hg19) VCF-style: chr3-53835455-A-C.
Other names: c.5363+3A>C (NM_001128839.3); c.5468+3A>C (NM_000720.4).
Identifiers: ClinVar variation 4805785 (VCV004805785.1).

ClinVar aggregate classification (germline): Uncertain significance (1 of 4 stars; one submission).

Submission:

Labcorp Genetics (formerly Invitae), Labcorp
Classification: Uncertain significance. Last evaluated: 2025-03-30. Review status: criteria provided, single submitter. Criteria: Invitae Variant Classification Sherloc (09022015). Collection method: clinical testing. Allele origin: germline.
Comment: This sequence change falls in intron 43 of the CACNA1D gene. It does not directly change the encoded amino acid sequence of the CACNA1D protein. It affects a nucleotide within the consensus splice site. This variant is not present in population databases (gnomAD no frequency). This variant has not been reported in the literature in individuals affected with CACNA1D-related conditions. Variants that disrupt the consensus splice site are a relatively common cause of aberrant splicing (PMID: 17576681, 9536098). Algorithms developed to predict the effect of sequence changes on RNA splicing suggest that this variant may disrupt the consensus splice site. In summary, the available evidence is currently insufficient to determine the role of this variant in disease. Therefore, it has been classified as a Variant of Uncertain Significance.

Literature cited by the submitters: PubMed 17576681; PubMed 9536098.